The following is an entry in ClinVar:

ClinVar aggregate classification (germline): Uncertain significance (1 of 4 stars; one submission).

Submission:

Women's Health and Genetics/Laboratory Corporation of America, LabCorp
Classification: Uncertain significance. Last evaluated: 2023-04-07. Review status: criteria provided, single submitter. Criteria: LabCorp Variant Classification Summary - May 2015. Collection method: clinical testing. Allele origin: germline.
Comment: Variant summary: MEFV c.1727-2A>C is located in a canonical splice-site and is predicted to affect mRNA splicing resulting in a significantly altered protein due to either exon skipping, shortening, or inclusion of intronic material. Several computational tools predict a significant impact on normal splicing: Four predict the variant abolishes a canonical 3' acceptor site. However, these predictions have yet to be confirmed by functional studies. Additionally, there is ambiguity related to the molecular mechanism of disease for Familial Mediterranean Fever, including whether MEFV loss-of-function variants cause disease. The variant was absent in 251418 control chromosomes (gnomAD). To our knowledge, no occurrence of c.1727-2A>C in individuals affected with Familial Mediterranean Fever and no experimental evidence demonstrating its impact on protein function have been reported. No clinical diagnostic laboratories have submitted clinical-significance assessments for this variant to ClinVar after 2014. Based on the evidence outlined above, the variant was classified as VUS-possibly pathogenic.

NM_000243.3(MEFV):c.1727-2A>C

Genes: MEFV (MEFV innate immunity regulator, pyrin; minus strand), LOC126862264 (CDK7 strongly-dependent group 2 enhancer GRCh37_chr16:3293322-3294521; plus strand). Cytogenetic location: 16p13.3.
Variant type: single nucleotide variant.
Coding change: c.1727-2A>C on transcript NM_000243.3 (MANE Select); the canonical splice acceptor site of the intron before coding-DNA position 1727, A replaced by C.
Molecular consequence: splice acceptor variant.
Genome position (GRCh38, 1-based): chr16:3,244,288, T>G on the plus strand (A>C on the coding strand, the complement: MEFV is on the minus strand). VCF-style: chr16-3244288-T-G. GRCh37 (hg19) VCF-style: chr16-3294288-T-G.
Other names: c.1094-2A>C (NM_001198536.2).
Identifiers: ClinVar variation 2503907 (VCV002503907.1), dbSNP rs766164690, ClinGen allele CA394457472.